The following is an entry in ClinVar:

NM_024649.5(BBS1):c.57C>G (p.Ala19=)

Gene: BBS1 (Bardet-Biedl syndrome 1; plus strand). Cytogenetic location: 11q13.2.
Variant type: single nucleotide variant.
Coding change: c.57C>G on transcript NM_024649.5 (MANE Select); coding-DNA position 57, C replaced by G.
Protein change: p.Ala19=; no amino-acid change (alanine 19 retained).
Molecular consequence: synonymous variant.
Genome position (GRCh38, 1-based): chr11:66,511,022, C>G. VCF-style: chr11-66511022-C-G. GRCh37 (hg19) VCF-style: chr11-66278493-C-G.
Identifiers: ClinVar variation 745538 (VCV000745538.13), dbSNP rs755026677, ClinGen allele CA6123227.
Genomic context (GRCh38, chr11:66,511,022, plus strand): 5'-TTTTCCCCTCCCATGGGACTCACTCCCCAACTGTCTTTCCCCCACTTCCAGCAATGAGGC[C>G]AATTCGAAGTGGTTGGATGCGCACTACGACCCAATGGCCAATATCCACACCTTTTCTGCC-3'
Protein context (NP_078925.3, residues 9-29): SDACGAESNE[Ala19=]NSKWLDAHYD

ClinVar aggregate classification (germline): Likely benign. Review status: criteria provided, multiple submitters, no conflicts (2 of 4 stars). 4 submissions from 4 submitters: Likely benign (3). 1 of the submissions does not count toward it. Last evaluated 2026-03-09.

Conditions:
Bardet-Biedl syndrome 1 (BBS1). Identifiers: MedGen C2936862, MONDO:0008854, OMIM 209900. Disease mechanism: loss of function.
BBS1-related disorder. Also called: BBS1-related condition.
Bardet-Biedl syndrome (BBS). Identifiers: Orphanet 110, MedGen C0752166, MONDO:0015229.

Allele frequency attached by ClinVar (database versions not stated): gnomAD below 0.00001 and 0.00003; TOPMed 0.00002; ExAC 0.00008; gnomAD exomes 0.00009.
gnomAD v4.1: 57 of 1,614,016 alleles (0.0035%); highest among the groups gnomAD compares: South Asian, 0.053%; no homozygotes.

Submissions (4):

PreventionGenetics, part of Exact Sciences
Classification: Likely benign for BBS1-related condition. Last evaluated: 2026-03-09. Review status: criteria provided, single submitter. Criteria: ACMG Guidelines, 2015. Collection method: clinical testing. Allele origin: germline.
Comment: This variant is classified as likely benign based on ACMG/AMP sequence variant interpretation guidelines (Richards et al. 2015 PMID: 25741868, with internal and published modifications).

Labcorp Genetics (formerly Invitae), Labcorp
Classification: Likely benign for Bardet-Biedl syndrome. Last evaluated: 2024-03-23. Review status: criteria provided, single submitter. Criteria: Invitae Variant Classification Sherloc (09022015). Collection method: clinical testing. Allele origin: germline.

Blueprint Genetics
Classification: Likely benign. Last evaluated: 2022-09-05. Review status: criteria provided, single submitter. Criteria: ACMG Guidelines, 2015. Collection method: clinical testing. Allele origin: germline.

Natera, Inc.
Classification: Uncertain significance for Bardet-Biedl syndrome type 1. Last evaluated: 2020-04-14. Review status: no assertion criteria provided. Collection method: clinical testing. Allele origin: germline. Not counted in ClinVar's aggregate classification.